The following is an entry in ClinVar:

ClinVar aggregate classification (germline): Benign. Review status: criteria provided, multiple submitters, no conflicts (2 of 4 stars). 3 submissions from 3 submitters: Benign (2). 1 of the submissions does not count toward it. Last evaluated 2026-01-24.

Conditions:
DUOX2-related disorder. Also called: DUOX2-related condition.

Allele frequency attached by ClinVar (database versions not stated): ESP Exome Variant Server 0.00008; gnomAD 0.00096; 1000 Genomes Project 30x 0.00109; 1000 Genomes Project 0.00140; TOPMed 0.00150.
gnomAD v4.1: 808 of 1,614,224 alleles (0.05%); highest among the groups gnomAD compares: East Asian, 1.5%; 6 homozygotes.

Submissions (3):

Labcorp Genetics (formerly Invitae), Labcorp
Classification: Benign. Last evaluated: 2026-01-24. Review status: criteria provided, single submitter. Criteria: Invitae Variant Classification Sherloc (09022015). Collection method: clinical testing. Allele origin: germline.

CeGaT Center for Human Genetics Tuebingen
Classification: Benign. Last evaluated: 2023-10-01. Review status: criteria provided, single submitter. Criteria: CeGaT Center For Human Genetics Tuebingen Variant Classification Criteria Version 2. Collection method: clinical testing. Allele origin: germline. Affected: yes. Observed: 1 variant allele.
Comment: DUOX2: BP4, BP7, BS1, BS2

PreventionGenetics, part of Exact Sciences
Classification: Benign for DUOX2-related condition. Last evaluated: 2019-08-21. Review status: no assertion criteria provided. Collection method: clinical testing. Allele origin: germline. Not counted in ClinVar's aggregate classification.
Comment: This variant is classified as benign based on ACMG/AMP sequence variant interpretation guidelines (Richards et al. 2015 PMID: 25741868, with internal and published modifications).

NM_001363711.2(DUOX2):c.1621C>A (p.Arg541=)

Gene: DUOX2 (dual oxidase 2; minus strand). Cytogenetic location: 15q21.1.
Variant type: single nucleotide variant.
Coding change: c.1621C>A on transcript NM_001363711.2 (MANE Select); coding-DNA position 1621, C replaced by A.
Protein change: p.Arg541=; no amino-acid change (arginine 541 retained).
Molecular consequence: synonymous variant.
Genome position (GRCh38, 1-based): chr15:45,107,417, G>T on the plus strand (C>A on the coding strand, the complement: DUOX2 is on the minus strand). VCF-style: chr15-45107417-G-T. GRCh37 (hg19) VCF-style: chr15-45399615-G-T.
Other names: c.1621C>A, p.Arg541= (NM_014080.5).
Identifiers: ClinVar variation 735105 (VCV000735105.34), dbSNP rs140940946, ClinGen allele CA7538545.